The following is an entry in ClinVar:

NM_003036.4(SKI):c.917A>C (p.Asp306Ala)

Gene: SKI (SKI proto-oncogene; plus strand). Cytogenetic location: 1p36.33.
Variant type: single nucleotide variant.
Coding change: c.917A>C on transcript NM_003036.4 (MANE Select); coding-DNA position 917, A replaced by C.
Protein change: p.Asp306Ala; replaces aspartic acid 306 with alanine.
Molecular consequence: missense variant.
Genome position (GRCh38, 1-based): chr1:2,229,683, A>C. VCF-style: chr1-2229683-A-C. GRCh37 (hg19) VCF-style: chr1-2161122-A-C.
Other names: short protein forms D306A.
Identifiers: ClinVar variation 4799793 (VCV004799793.1).

ClinVar aggregate classification (germline): Uncertain significance (1 of 4 stars; one submission).

Conditions:
Shprintzen-Goldberg syndrome (SGS). Also called: Marfanoid disorder with craniosynostosis type 1; Marfanoid craniosynostosis syndrome; Shprintzen-Goldberg marfanoid syndrome; SHPRINTZEN-GOLDBERG CRANIOSYNOSTOSIS SYNDROME; CRANIOSYNOSTOSIS WITH ARACHNODACTYLY AND ABDOMINAL HERNIAS. Identifiers: Orphanet 2462, MedGen C1321551, MONDO:0008426, OMIM 182212.

gnomAD v4.1: 1 of 1,603,626 alleles (0.000062%); highest among the groups gnomAD compares: Non-Finnish European, 0.000085%; no homozygotes.

Submission:

Labcorp Genetics (formerly Invitae), Labcorp
Classification: Uncertain significance for Shprintzen-Goldberg syndrome. Last evaluated: 2026-01-27. Review status: criteria provided, single submitter. Criteria: Invitae Variant Classification Sherloc (09022015). Collection method: clinical testing. Allele origin: germline.
Comment: This sequence change replaces aspartic acid, which is acidic and polar, with alanine, which is neutral and non-polar, at codon 306 of the SKI protein (p.Asp306Ala). This variant is present in population databases (rs766166838, gnomAD 0.001%). This variant has not been reported in the literature in individuals affected with SKI-related conditions. Invitae Evidence Modeling of protein sequence and biophysical properties (such as structural, functional, and spatial information, amino acid conservation, physicochemical variation, residue mobility, and thermodynamic stability) indicates that this missense variant is not expected to disrupt SKI protein function with a negative predictive value of 95%. In summary, the available evidence is currently insufficient to determine the role of this variant in disease. Therefore, it has been classified as a Variant of Uncertain Significance.